The following is an entry in ClinVar:

ClinVar aggregate classification (germline): Uncertain significance (1 of 4 stars; one submission).

Allele frequency attached by ClinVar (database versions not stated): gnomAD exomes below 0.00001.
gnomAD v4.1: 1 of 1,614,022 alleles (0.000062%); highest among the groups gnomAD compares: East Asian, 0.0022%; no homozygotes.

Submission:

Labcorp Genetics (formerly Invitae), Labcorp
Classification: Uncertain significance. Last evaluated: 2022-09-06. Review status: criteria provided, single submitter. Criteria: Invitae Variant Classification Sherloc (09022015). Collection method: clinical testing. Allele origin: germline.
Comment: In summary, the available evidence is currently insufficient to determine the role of this variant in disease. Therefore, it has been classified as a Variant of Uncertain Significance. Algorithms developed to predict the effect of missense changes on protein structure and function (SIFT, PolyPhen-2, Align-GVGD) all suggest that this variant is likely to be tolerated. ClinVar contains an entry for this variant (Variation ID: 1501652). This variant has not been reported in the literature in individuals affected with DDX58-related conditions. This variant is not present in population databases (gnomAD no frequency). This sequence change replaces lysine, which is basic and polar, with arginine, which is basic and polar, at codon 757 of the DDX58 protein (p.Lys757Arg).

NM_014314.4(RIGI):c.2270A>G (p.Lys757Arg)

Gene: RIGI (RNA sensor RIG-I; minus strand). Cytogenetic location: 9p21.1.
Variant type: single nucleotide variant.
Coding change: c.2270A>G on transcript NM_014314.4 (MANE Select); coding-DNA position 2270, A replaced by G.
Protein change: p.Lys757Arg; replaces lysine 757 with arginine.
Molecular consequence: missense variant.
Genome position (GRCh38, 1-based): chr9:32,466,357, T>C on the plus strand (A>G on the coding strand, the complement: RIGI is on the minus strand). VCF-style: chr9-32466357-T-C. GRCh37 (hg19) VCF-style: chr9-32466355-T-C.
Other names: c.2264A>G, p.Lys755Arg (NM_001385907.1); c.2099A>G, p.Lys700Arg (NM_001385909.1); c.1829A>G, p.Lys610Arg (NM_001385910.1); c.1661A>G, p.Lys554Arg (NM_001385912.1); c.2255A>G, p.Lys752Arg (NM_001385913.1); c.1826A>G, p.Lys609Arg (NM_001385914.1); short protein forms K609R, K610R, K700R, K752R, K757R, K554R, K755R.
Identifiers: ClinVar variation 1501652 (VCV001501652.8), dbSNP rs2118684015, ClinGen allele CA373145551.